The following is an entry in ClinVar:

ClinVar aggregate classification (germline): Uncertain significance (1 of 4 stars; one submission).

Conditions:
Leukocyte adhesion deficiency 1 (LAD1). Also called: LEUKOCYTE ADHESION DEFICIENCY, TYPE I; LAD 1; Lymphocyte function-associated antigen 1 immunodeficiency; LFA 1 immunodeficiency. Identifiers: Orphanet 2968, Orphanet 99842, MedGen C0398738, MONDO:0007293, OMIM 116920.

Allele frequency attached by ClinVar (database versions not stated): gnomAD exomes below 0.00001; TOPMed 0.00001; ExAC 0.00002; ESP Exome Variant Server 0.00015.

Submission:

Labcorp Genetics (formerly Invitae), Labcorp
Classification: Uncertain significance for Leukocyte adhesion deficiency 1. Last evaluated: 2023-08-24. Review status: criteria provided, single submitter. Criteria: Invitae Variant Classification Sherloc (09022015). Collection method: clinical testing. Allele origin: germline.
Comment: This sequence change falls in intron 10 of the ITGB2 gene. It does not directly change the encoded amino acid sequence of the ITGB2 protein. It affects a nucleotide within the consensus splice site. This variant is present in population databases (rs372648325, gnomAD 0.01%). This variant has not been reported in the literature in individuals affected with ITGB2-related conditions. ClinVar contains an entry for this variant (Variation ID: 1971281). Variants that disrupt the consensus splice site are a relatively common cause of aberrant splicing (PMID: 17576681, 9536098). Algorithms developed to predict the effect of sequence changes on RNA splicing suggest that this variant may create or strengthen a splice site. In summary, the available evidence is currently insufficient to determine the role of this variant in disease. Therefore, it has been classified as a Variant of Uncertain Significance.

Literature cited by the submitters: PubMed 17576681; PubMed 9536098.

NM_000211.5(ITGB2):c.1225-3C>T

Gene: ITGB2 (integrin subunit beta 2; minus strand). Cytogenetic location: 21q22.3.
Variant type: single nucleotide variant.
Coding change: c.1225-3C>T on transcript NM_000211.5 (MANE Select); 3 bases into the intron before coding-DNA position 1225, C replaced by T.
Molecular consequence: intron variant.
Genome position (GRCh38, 1-based): chr21:44,891,999, G>A on the plus strand (C>T on the coding strand, the complement: ITGB2 is on the minus strand). VCF-style: chr21-44891999-G-A. GRCh37 (hg19) VCF-style: chr21-46311914-G-A.
Other names: c.1225-3C>T (NM_001127491.3); c.1018-3C>T (NM_001303238.2).
Identifiers: ClinVar variation 1971281 (VCV001971281.5), dbSNP rs372648325, ClinGen allele CA10062877.